The following is an entry in ClinVar:

ClinVar aggregate classification (germline): Benign/Likely benign. Review status: criteria provided, multiple submitters, no conflicts (2 of 4 stars). 4 submissions from 4 submitters: Benign (2); Likely benign (2). Last evaluated 2026-02-01.

Allele frequency attached by ClinVar (database versions not stated): 1000 Genomes Project 30x 0.00078; 1000 Genomes Project 0.00080; TOPMed 0.00125; ESP Exome Variant Server 0.00146; gnomAD exomes 0.00199; ExAC 0.00245.
gnomAD v4.1: 3,482 of 1,614,060 alleles (0.22%); highest among the groups gnomAD compares: Non-Finnish European, 0.26%; 7 homozygotes.

Submissions (4):

CeGaT Center for Human Genetics Tuebingen
Classification: Likely benign. Last evaluated: 2026-02-01. Review status: criteria provided, single submitter. Criteria: CeGaT Center For Human Genetics Tuebingen Variant Classification Criteria Version 2. Collection method: clinical testing. Allele origin: germline. Affected: yes. Observed: 14 variant alleles.
Comment: REST: BP4, BS1

Labcorp Genetics (formerly Invitae), Labcorp
Classification: Benign. Last evaluated: 2025-12-15. Review status: criteria provided, single submitter. Criteria: Invitae Variant Classification Sherloc (09022015). Collection method: clinical testing. Allele origin: germline.

Mayo Clinic Laboratories, Mayo Clinic
Classification: Likely benign. Last evaluated: 2025-07-23. Review status: criteria provided, single submitter. Criteria: ACMG Guidelines, 2015. Collection method: clinical testing. Allele origin: germline. Observed: 1 variant allele.
Comment: BS1, BP4_moderate

Breakthrough Genomics
Classification: Benign. Review status: criteria provided, single submitter. Criteria: ACMG Guidelines, 2015. Collection method: not provided. Allele origin: germline. Inheritance: Autosomal dominant inheritance. Affected: yes.

NM_005612.5(REST):c.2013G>T (p.Glu671Asp)

Gene: REST (RE1 silencing transcription factor; plus strand). Cytogenetic location: 4q12.
Variant type: single nucleotide variant.
Coding change: c.2013G>T on transcript NM_005612.5 (MANE Select); coding-DNA position 2013, G replaced by T.
Protein change: p.Glu671Asp; replaces glutamic acid 671 with aspartic acid.
Molecular consequence: missense variant.
Genome position (GRCh38, 1-based): chr4:56,930,871, G>T. VCF-style: chr4-56930871-G-T. GRCh37 (hg19) VCF-style: chr4-57797037-G-T.
Other names: p.Glu671Asp; c.2013G>T, p.Glu671Asp (NM_001193508.2, NM_001363453.3); short protein forms E671D.
Identifiers: ClinVar variation 1169218 (VCV001169218.35), dbSNP rs138787075, ClinGen allele CA2932386.